The following is an entry in ClinVar:

ClinVar aggregate classification (germline): Uncertain significance. Review status: criteria provided, multiple submitters, no conflicts (2 of 4 stars). 2 submissions from 2 submitters: Uncertain significance (2). Last evaluated 2025-04-24.

Allele frequency attached by ClinVar (database versions not stated): gnomAD exomes 0.00001; TOPMed 0.00003; 1000 Genomes Project 0.00020; ExAC 0.00007; gnomAD 0.00002; 1000 Genomes Project 30x 0.00016.
gnomAD v4.1: 26 of 1,614,248 alleles (0.0016%); highest among the groups gnomAD compares: East Asian, 0.02%; no homozygotes.

Submissions (2):

Labcorp Genetics (formerly Invitae), Labcorp
Classification: Uncertain significance. Last evaluated: 2025-04-24. Review status: criteria provided, single submitter. Criteria: Invitae Variant Classification Sherloc (09022015). Collection method: clinical testing. Allele origin: germline.
Comment: This sequence change replaces serine, which is neutral and polar, with threonine, which is neutral and polar, at codon 261 of the ARHGEF10 protein (p.Ser261Thr). This variant is present in population databases (rs533754740, gnomAD 0.02%). This variant has not been reported in the literature in individuals affected with ARHGEF10-related conditions. ClinVar contains an entry for this variant (Variation ID: 2723202). An algorithm developed to predict the effect of missense changes on protein structure and function (PolyPhen-2) suggests that this variant is likely to be disruptive. In summary, the available evidence is currently insufficient to determine the role of this variant in disease. Therefore, it has been classified as a Variant of Uncertain Significance.

Ambry Genetics
Classification: Uncertain significance. Last evaluated: 2023-09-23. Review status: criteria provided, single submitter. Criteria: Ambry Variant Classification Scheme 2023. Collection method: clinical testing. Allele origin: germline.

NM_014629.4(ARHGEF10):c.782G>C (p.Ser261Thr)

Gene: ARHGEF10 (Rho guanine nucleotide exchange factor 10; plus strand). Cytogenetic location: 8p23.3.
Variant type: single nucleotide variant.
Coding change: c.782G>C on transcript NM_014629.4 (MANE Select); coding-DNA position 782, G replaced by C.
Protein change: p.Ser261Thr; replaces serine 261 with threonine.
Molecular consequence: missense variant.
Genome position (GRCh38, 1-based): chr8:1,876,673, G>C. VCF-style: chr8-1876673-G-C. GRCh37 (hg19) VCF-style: chr8-1824839-G-C.
Other names: c.785G>C, p.Ser262Thr (NM_001308152.2, NM_001308153.3); short protein forms S261T, S286T, S262T.
Identifiers: ClinVar variation 2723202 (VCV002723202.4), dbSNP rs533754740, ClinGen allele CA4600019.
Genomic context (GRCh38, chr8:1,876,673, plus strand): 5'-GAAACAGCTCCTTGGAATACGGATGGAGTTCGAGTGAATTTGAAAGTTACGAAGAGCAGA[G>C]TGACTCGGAGTGCAAGAATGGGATTCCCAGGTCCTTCCTGCGCAGCAACCACAAAAAGCA-3'
Protein context (NP_055444.2, residues 251-271): SSEFESYEEQ[Ser261Thr]DSECKNGIPR